The following is an entry in ClinVar:

ClinVar aggregate classification (germline): Conflicting classifications of pathogenicity. Review status: criteria provided, conflicting classifications (1 of 4 stars). 5 submissions from 5 submitters: Uncertain significance (2); Likely benign (2). 1 of the submissions does not count toward it. Last evaluated 2022-11-10.

Conditions:
TTN-related disorder. Also called: TTN-related condition; TTN-related disease; TTN-related disorders.
Dilated cardiomyopathy 1G (CMD1G). Identifiers: Orphanet 154, MedGen C1858763, MONDO:0011400, OMIM 604145.
Autosomal recessive limb-girdle muscular dystrophy type 2J (LGMDR10). Also called: MUSCULAR DYSTROPHY, LIMB-GIRDLE, AUTOSOMAL RECESSIVE 10; Limb-girdle muscular dystrophy, type 2J. Identifiers: Orphanet 140922, MedGen C1837342, MONDO:0012127, OMIM 608807.
Cardiomyopathy (CMYO). Also called: Cardiomyopathies. Identifiers: Orphanet 167848, MedGen C0878544, MONDO:0004994, HP:0001638. Inheritance: Various modes of inheritance.

Allele frequency attached by ClinVar (database versions not stated): ExAC 0.00003; TOPMed 0.00004; gnomAD 0.00005; gnomAD exomes 0.00006 and 0.00015; ESP Exome Variant Server 0.00008.
gnomAD v4.1: 224 of 1,613,594 alleles (0.014%); highest among the groups gnomAD compares: Non-Finnish European, 0.018%; no homozygotes.

Submissions (5):

CHEO Genetics Diagnostic Laboratory, Children's Hospital of Eastern Ontario
Classification: Likely benign for Cardiomyopathy. Last evaluated: 2022-11-10. Review status: criteria provided, single submitter. Criteria: ACMG Guidelines, 2015. Collection method: clinical testing. Allele origin: germline.

Revvity Omics, Revvity
Classification: Uncertain significance. Last evaluated: 2021-12-09. Review status: criteria provided, single submitter. Criteria: ACMG Guidelines, 2015. Collection method: clinical testing. Allele origin: germline.

GeneDx
Classification: Likely benign. Last evaluated: 2018-02-28. Review status: criteria provided, single submitter. Criteria: GeneDx Variant Classification (06012015). Collection method: clinical testing. Allele origin: germline. Affected: yes.
Comment: This variant is considered likely benign or benign based on one or more of the following criteria: it is a conservative change, it occurs at a poorly conserved position in the protein, it is predicted to be benign by multiple in silico algorithms, and/or has population frequency not consistent with disease.

Labcorp Genetics (formerly Invitae), Labcorp
Classification: Uncertain significance for Dilated cardiomyopathy 1G; Autosomal recessive limb-girdle muscular dystrophy type 2J. Last evaluated: 2017-12-06. Review status: criteria provided, single submitter. Criteria: Invitae Variant Classification Sherloc (09022015). Collection method: clinical testing. Allele origin: germline.

PreventionGenetics, part of Exact Sciences
Classification: Uncertain significance for TTN-related condition. Last evaluated: 2024-04-02. Review status: no assertion criteria provided. Collection method: clinical testing. Allele origin: germline. Not counted in ClinVar's aggregate classification.
Comment: The TTN c.14662C>G variant is predicted to result in the amino acid substitution p.Pro4888Ala. To our knowledge, this variant has not been reported in the literature. This variant is reported in 0.011% of alleles in individuals of European (Non-Finnish) descent in gnomAD. At this time, the clinical significance of this variant is uncertain due to the absence of conclusive functional and genetic evidence.

NM_001267550.2(TTN):c.14662C>G (p.Pro4888Ala)

Gene: TTN (titin; minus strand). Cytogenetic location: 2q31.2.
Variant type: single nucleotide variant.
Coding change: c.14662C>G on transcript NM_001267550.2 (MANE Select); coding-DNA position 14662, C replaced by G.
Protein change: p.Pro4888Ala; replaces proline 4888 with alanine.
Molecular consequence: missense variant. On other transcripts: intron variant (3).
Genome position (GRCh38, 1-based): chr2:178,735,784, G>C on the plus strand (C>G on the coding strand, the complement: TTN is on the minus strand). VCF-style: chr2-178735784-G-C. GRCh37 (hg19) VCF-style: chr2-179600511-G-C.
Other names: p.P4571A:CCA>GCA; c.13711C>G, p.Pro4571Ala (NM_001256850.1); c.10930C>G, p.Pro3644Ala (NM_133378.4); c.13282+2298C>G (NM_003319.4); c.13858+2298C>G (NM_133437.4); c.13657+2298C>G (NM_133432.3); short protein forms P4571A, P4888A, P3644A.
Identifiers: ClinVar variation 203239 (VCV000203239.9), dbSNP rs376799249, ClinGen allele CA311776.
Genomic context (GRCh38, chr2:178,735,784, plus strand): 5'-CAAGGTGGACCTTCTTATTGATAGCGGACTGCACAGGCTCTAATTCTTTAATGAAATGTG[G>C]CTTATCAATGATGATCAACTCTGCTTGGCAGATGTCTGCTCCAAACTTGTTGGAAGCCTT-3'
Protein context (NP_001254479.2, residues 4878-4898): CQAELIIIDK[Pro4888Ala]HFIKELEPVQ